The following is an entry in ClinVar:

ClinVar aggregate classification (germline): Uncertain significance. Review status: criteria provided, multiple submitters, no conflicts (2 of 4 stars). 3 submissions from 3 submitters: Uncertain significance (3). Last evaluated 2022-03-15.

Conditions:
Cardiovascular phenotype. Identifiers: MedGen CN230736.
Hereditary cancer-predisposing syndrome. Also called: Hereditary Cancer Syndrome; Hereditary neoplastic syndrome; Tumor predisposition; Neoplastic Syndromes, Hereditary. Identifiers: Orphanet 140162, MedGen C0027672, MeSH D009386, MONDO:0015356.
Neurofibromatosis, type 1 (NF1). Also called: VON RECKLINGHAUSEN DISEASE; NEUROFIBROMATOSIS, TYPE I, SOMATIC; Peripheral type neurofibromatosis; Neurofibromatosis, type I. Identifiers: Orphanet 636, MedGen C0027831, MONDO:0018975, OMIM 162200. Disease mechanism: loss of function.

Submissions (3):

Genome-Nilou Lab
Classification: Uncertain significance for Neurofibromatosis, type 1. Last evaluated: 2022-03-15. Review status: criteria provided, single submitter. Criteria: ACMG Guidelines, 2015. Collection method: clinical testing. Allele origin: germline. Affected: no.

Labcorp Genetics (formerly Invitae), Labcorp
Classification: Uncertain significance for Neurofibromatosis, type 1. Last evaluated: 2017-05-02. Review status: criteria provided, single submitter. Criteria: Invitae Variant Classification Sherloc (09022015). Collection method: clinical testing. Allele origin: germline.
Comment: In summary, this variant is a novel missense change that is not predicted to affect protein function. There is no indication that it causes disease, but the available evidence is currently insufficient to prove that conclusively. Therefore, it has been classified as a Variant of Uncertain Significance. Algorithms developed to predict the effect of missense changes on protein structure and function (SIFT, PolyPhen-2, Align-GVGD) all suggest that this variant is likely to be tolerated, but these predictions have not been confirmed by published functional studies. This variant is not present in population databases (ExAC no frequency) and has not been reported in the literature in individuals with a NF1-related disease. This sequence change replaces valine with phenylalanine at codon 437 of the NF1 protein (p.Val437Phe). The valine residue is moderately conserved and there is a small physicochemical difference between valine and phenylalanine.

Ambry Genetics
Classification: Uncertain significance for Cardiovascular phenotype; Hereditary cancer-predisposing syndrome. Last evaluated: 2016-05-02. Review status: criteria provided, single submitter. Criteria: Ambry Variant Classification Scheme 2023. Collection method: clinical testing. Allele origin: germline.
Comment: The p.V437F variant (also known as c.1309G>T), located in coding exon 12 of the NF1 gene, results from a G to T substitution at nucleotide position 1309. The valine at codon 437 is replaced by phenylalanine, an amino acid with highly similar properties. This variant was not reported in population based cohorts in the following databases: Database of Single Nucleotide Polymorphisms (dbSNP), NHLBI Exome Sequencing Project (ESP), and 1000 Genomes Project. In the ESP, this variant was not observed in 6503 samples (13006 alleles) with coverage at this position. To date, this alteration has been detected with an allele frequency of approximately 0.001% (greater than 110000 alleles tested) in our clinical cohort. This amino acid position is highly conserved through mammals but not in all available vertebrate species. In addition, the in silico prediction for this alteration is inconclusive. Since supporting evidence is limited at this time, the clinical significance of this alteration remains unclear.

NM_001042492.3(NF1):c.1309G>T (p.Val437Phe)

Gene: NF1 (neurofibromin 1; plus strand). Cytogenetic location: 17q11.2.
Variant type: single nucleotide variant.
Coding change: c.1309G>T on transcript NM_001042492.3 (MANE Select); coding-DNA position 1309, G replaced by T.
Protein change: p.Val437Phe; replaces valine 437 with phenylalanine.
Molecular consequence: missense variant.
Genome position (GRCh38, 1-based): chr17:31,206,288, G>T. VCF-style: chr17-31206288-G-T. GRCh37 (hg19) VCF-style: chr17-29533306-G-T.
Other names: c.1309G>T, p.Val437Phe (NM_000267.4, NM_001128147.3); short protein forms V437F.
Identifiers: ClinVar variation 457529 (VCV000457529.10), dbSNP rs1555611574, ClinGen allele CA398999349.